The following is an entry in ClinVar:

ClinVar aggregate classification (germline): Uncertain significance (1 of 4 stars; one submission).

Allele frequency attached by ClinVar (database versions not stated): ESP Exome Variant Server 0.00008; 1000 Genomes Project 0.00040; gnomAD 0.00044; gnomAD exomes 0.00044; TOPMed 0.00050; 1000 Genomes Project 30x 0.00031.
gnomAD v4.1: 697 of 1,603,568 alleles (0.043%); highest among the groups gnomAD compares: African/African-American, 0.084%; no homozygotes.

Submission:

Labcorp Genetics (formerly Invitae), Labcorp
Classification: Uncertain significance. Last evaluated: 2026-01-12. Review status: criteria provided, single submitter. Criteria: Invitae Variant Classification Sherloc (09022015). Collection method: clinical testing. Allele origin: germline.
Comment: This sequence change replaces proline, which is neutral and non-polar, with leucine, which is neutral and non-polar, at codon 809 of the TNK2 protein (p.Pro809Leu). This variant is present in population databases (rs200231100, gnomAD 0.06%), and has an allele count higher than expected for a pathogenic variant. This variant has not been reported in the literature in individuals affected with TNK2-related conditions. ClinVar contains an entry for this variant (Variation ID: 2093214). An algorithm developed to predict the effect of missense changes on protein structure and function (PolyPhen-2) suggests that this variant is likely to be tolerated. In summary, the available evidence is currently insufficient to determine the role of this variant in disease. Therefore, it has been classified as a Variant of Uncertain Significance.

NM_001382273.1(TNK2):c.2237C>T (p.Pro746Leu)

Gene: TNK2 (tyrosine kinase non receptor 2; minus strand). Cytogenetic location: 3q29.
Variant type: single nucleotide variant.
Coding change: c.2237C>T on transcript NM_001382273.1 (MANE Select); coding-DNA position 2237, C replaced by T.
Protein change: p.Pro746Leu; replaces proline 746 with leucine.
Molecular consequence: missense variant. On other transcripts: non-coding transcript variant (15).
Genome position (GRCh38, 1-based): chr3:195,868,061, G>A on the plus strand (C>T on the coding strand, the complement: TNK2 is on the minus strand). VCF-style: chr3-195868061-G-A. GRCh37 (hg19) VCF-style: chr3-195594932-G-A.
Other names: c.2309C>T, p.Pro770Leu (NM_001010938.2, NM_001382272.1); c.2288C>T, p.Pro763Leu (NM_001308046.2, NM_001382271.1); c.2237C>T, p.Pro746Leu (NM_001382274.1, NM_001387716.1, NM_001387717.1 and 1 more transcripts); c.2333C>T, p.Pro778Leu (NM_001382275.1, NM_001387707.1); c.2192C>T, p.Pro731Leu (NM_001386164.1, NM_001387709.1, NM_001387710.1 and 8 more transcripts); c.2264C>T, p.Pro755Leu (NM_001387708.1, NM_001387715.1); short protein forms P731L, P778L, P763L, P746L, P755L, P770L.
Identifiers: ClinVar variation 2093214 (VCV002093214.4), dbSNP rs200231100, ClinGen allele CA2776009.